The following is an entry in ClinVar:

ClinVar aggregate classification (germline): Uncertain significance (1 of 4 stars; one submission).

Conditions:
Amyotrophic lateral sclerosis type 1 (ALS1). Also called: AMYOTROPHIC LATERAL SCLEROSIS 1, FAMILIAL. Identifiers: Orphanet 803, MedGen C1862939, MONDO:0007103, OMIM 105400.
Neuronopathy, distal hereditary motor, type 7B. Also called: NEURONOPATHY, DISTAL HEREDITARY MOTOR, AUTOSOMAL DOMINANT 14; NEURONOPATHY, DISTAL HEREDITARY MOTOR, HARDING TYPE VIIB; NEUROPATHY, DISTAL HEREDITARY MOTOR, HARDING TYPE VIIB; NEUROPATHY, DISTAL HEREDITARY MOTOR, WITH VOCAL CORD PARALYSIS, HARDING TYPE VIIB; HMN VIIB; LOWER MOTOR NEURON DISEASE, DYNACTIN TYPE. Identifiers: Orphanet 139589, MedGen C1843315, MONDO:0011879, OMIM 607641.
Perry syndrome. Also called: PARKINSONISM WITH ALVEOLAR HYPOVENTILATION AND MENTAL DEPRESSION. Identifiers: Orphanet 178509, MedGen C1868594, MONDO:0008201, OMIM 168605.

gnomAD v4.1: 3 of 1,614,082 alleles (0.00019%); highest among the groups gnomAD compares: Admixed American, 0.0033%; no homozygotes.

Submission:

Labcorp Genetics (formerly Invitae), Labcorp
Classification: Uncertain significance for Amyotrophic lateral sclerosis type 1; Neuronopathy, distal hereditary motor, type 7B; Perry syndrome. Last evaluated: 2024-12-08. Review status: criteria provided, single submitter. Criteria: Invitae Variant Classification Sherloc (09022015). Collection method: clinical testing. Allele origin: germline.
Comment: This sequence change replaces proline, which is neutral and non-polar, with histidine, which is basic and polar, at codon 917 of the DCTN1 protein (p.Pro917His). This variant is present in population databases (rs537761448, gnomAD 0.006%). This variant has not been reported in the literature in individuals affected with DCTN1-related conditions. Invitae Evidence Modeling of protein sequence and biophysical properties (such as structural, functional, and spatial information, amino acid conservation, physicochemical variation, residue mobility, and thermodynamic stability) indicates that this missense variant is not expected to disrupt DCTN1 protein function with a negative predictive value of 95%. In summary, the available evidence is currently insufficient to determine the role of this variant in disease. Therefore, it has been classified as a Variant of Uncertain Significance.

NM_004082.5(DCTN1):c.2750C>A (p.Pro917His)

Gene: DCTN1 (dynactin subunit 1; minus strand). Cytogenetic location: 2p13.1.
Variant type: single nucleotide variant.
Coding change: c.2750C>A on transcript NM_004082.5 (MANE Select); coding-DNA position 2750, C replaced by A.
Protein change: p.Pro917His; replaces proline 917 with histidine.
Molecular consequence: missense variant. On other transcripts: non-coding transcript variant (1).
Genome position (GRCh38, 1-based): chr2:74,366,254, G>T on the plus strand (C>A on the coding strand, the complement: DCTN1 is on the minus strand). VCF-style: chr2-74366254-G-T. GRCh37 (hg19) VCF-style: chr2-74593381-G-T.
Other names: c.2690C>A, p.Pro897His (NM_001135040.3); c.2348C>A, p.Pro783His (NM_001135041.3, NM_023019.4); c.2639C>A, p.Pro880His (NM_001190836.2); c.2729C>A, p.Pro910His (NM_001190837.2); c.2699C>A, p.Pro900His (NM_001378991.1); c.2681C>A, p.Pro894His (NM_001378992.1); short protein forms P783H, P880H, P894H, P897H, P900H, P910H, P917H.
Identifiers: ClinVar variation 3749788 (VCV003749788.2).
Genomic context (GRCh38, chr2:74,366,254, plus strand): 5'-GTCTTACTCCTACAGGCCTCTGCAACTTCTCCAAGGAAATCTCCACCTACCTTGCTGGGG[G>T]GCCGCTCTGCATCATACTCCCCCTCCTGCATGGCTGTGGCCAGCTTGTTCATGGTACTGA-3'
Protein context (NP_004073.2, residues 907-927): MQEGEYDAER[Pro917His]PSKPPPVELR